The following is an entry in ClinVar:

NM_000059.4(BRCA2):c.5433_5436del (p.Glu1811fs)

Gene: BRCA2 (BRCA2 DNA repair associated; plus strand). Cytogenetic location: 13q13.1.
Variant type: Deletion.
Coding change: c.5433_5436del on transcript NM_000059.4 (MANE Select); coding-DNA positions 5433 to 5436, 4 bases deleted (GGAA; older notation c.5433_5436delGGAA).
Protein change: p.Glu1811fs; shifts the reading frame from glutamic acid 1811.
Molecular consequence: frameshift variant.
Genome position (GRCh38, 1-based): chr13:32,339,788-32,339,791, GGAA deleted; deleting any 4 consecutive bases within chr13:32,339,787-32,339,791 gives the same sequence; the c. name uses the placement nearest the transcript's 3' end. VCF-style (leftmost placement, unchanged base first): chr13-32339786-GAGGA-G. GRCh37 (hg19) VCF-style: chr13-32913923-GAGGA-G.
Other names: c.5433_5436delGGAA (NM_000059.3); short protein forms E1811fs.
Identifiers: ClinVar variation 51861 (VCV000051861.5), dbSNP rs397507784, ClinGen allele CA022316.

ClinVar aggregate classification (germline): Pathogenic. Review status: reviewed by expert panel (3 of 4 stars). 4 submissions from 4 submitters: Pathogenic (1). 3 of the submissions do not count toward it. Last evaluated 2017-12-15.

Conditions:
Hereditary cancer-predisposing syndrome. Also called: Tumor predisposition; Neoplastic Syndromes, Hereditary; Hereditary Cancer Syndrome; Hereditary neoplastic syndrome. Identifiers: Orphanet 140162, MedGen C0027672, MeSH D009386, MONDO:0015356.
Breast-ovarian cancer, familial, susceptibility to, 2 (BROVCA2). Also called: BRCA2 Hereditary Breast and Ovarian Cancer. Identifiers: Orphanet 145, MedGen C2675520, MONDO:0012933, OMIM 612555. Disease mechanism: loss of function.
Breast-ovarian cancer, familial, susceptibility to, 1 (BROVCA1). Also called: OVARIAN CANCER, SUSCEPTIBILITY TO; BRCA1 Hereditary Breast and Ovarian Cancer. Identifiers: Orphanet 145, MedGen C2676676, MONDO:0011450, OMIM 604370. Disease mechanism: loss of function.
Familial cancer of breast. Also called: Hereditary breast cancer; hereditary breast carcinoma; BREAST CANCER, FAMILIAL. Identifiers: Orphanet 227535, MedGen C0346153, MONDO:0016419, OMIM 114480. Disease mechanism: loss of function.

Submissions (4):

Evidence-based Network for the Interpretation of Germline Mutant Alleles (ENIGMA)
Classification: Pathogenic for Breast-ovarian cancer, familial, susceptibility to, 2. Last evaluated: 2017-12-15. Review status: reviewed by expert panel. Criteria: ENIGMA BRCA1/2 Classification Criteria (2017-06-29). Collection method: curation. Allele origin: germline. Study: ENIGMA.
Comment: Variant allele predicted to encode a truncated non-functional protein.

Ambry Genetics
Classification: Pathogenic for Hereditary cancer-predisposing syndrome. Last evaluated: 2024-11-12. Review status: criteria provided, single submitter. Criteria: Ambry Variant Classification Scheme 2023. Collection method: clinical testing. Allele origin: germline. Not counted in ClinVar's aggregate classification.
Comment: The c.5433_5436delGGAA pathogenic mutation, located in coding exon 10 of the BRCA2 gene, results from a deletion of 4 nucleotides at nucleotide positions 5433 to 5436, causing a translational frameshift with a predicted alternate stop codon (p.E1811Dfs*3). This variant was reported in an individual with features consistent with BRCA2-related cancer predisposition (Novakovi S et al. Int J Oncol, 2012 Nov;41:1619-27). This variant is considered to be rare based on population cohorts in the Genome Aggregation Database (gnomAD). In addition to the clinical data presented in the literature, this alteration is expected to result in loss of function by premature protein truncation or nonsense-mediated mRNA decay. As such, this alteration is interpreted as a disease-causing mutation.

Department of Molecular Diagnostics, Institute of Oncology Ljubljana
Classification: Pathogenic for Breast-ovarian cancer, familial, susceptibility to, 1. Last evaluated: 2020-04-02. Review status: criteria provided, single submitter. Criteria: ACMG Guidelines, 2015. Collection method: clinical testing. Allele origin: germline. Affected: yes. Not counted in ClinVar's aggregate classification.

ClinVar Staff, National Center for Biotechnology Information (NCBI)
No classification provided. Condition: Familial cancer of breast. Review status: no classification provided. Collection method: literature only. Allele origin: germline. Affected: yes. Not counted in ClinVar's aggregate classification.

Literature cited by the submitters: PubMed 22923021 (cited by Ambry Genetics and ClinVar Staff, National Center for Biotechnology Information (NCBI)).